The following is an entry in ClinVar:

NM_006648.4(WNK2):c.2308G>C (p.Gly770Arg)

Gene: WNK2 (WNK lysine deficient protein kinase 2; plus strand). Cytogenetic location: 9q22.31.
Variant type: single nucleotide variant.
Coding change: c.2308G>C on transcript NM_006648.4 (MANE Select); coding-DNA position 2308, G replaced by C.
Protein change: p.Gly770Arg; replaces glycine 770 with arginine.
Molecular consequence: missense variant.
Genome position (GRCh38, 1-based): chr9:93,257,065, G>C. VCF-style: chr9-93257065-G-C. GRCh37 (hg19) VCF-style: chr9-96019347-G-C.
Other names: c.2308G>C, p.Gly770Arg (NM_001282394.3); short protein forms G770R.
Identifiers: ClinVar variation 4201844 (VCV004201844.1).

ClinVar aggregate classification (germline): Uncertain significance (1 of 4 stars; one submission).

Submission:

Ambry Genetics
Classification: Uncertain significance. Last evaluated: 2025-08-31. Review status: criteria provided, single submitter. Criteria: Ambry Variant Classification Scheme 2023. Collection method: clinical testing. Allele origin: germline.
Comment: The p.G770R variant (also known as c.2308G>C), located in coding exon 10 of the WNK2 gene, results from a G to C substitution at nucleotide position 2308. The glycine at codon 770 is replaced by arginine, an amino acid with dissimilar properties. This amino acid position is conserved. In addition, this alteration is predicted to be tolerated by in silico analysis. Based on the available evidence, the clinical significance of this variant remains unclear.